The following is an entry in ClinVar:

NM_002439.5(MSH3):c.2141A>C (p.Lys714Thr)

Gene: MSH3 (mutS homolog 3; plus strand). Cytogenetic location: 5q14.1.
Variant type: single nucleotide variant.
Coding change: c.2141A>C on transcript NM_002439.5 (MANE Select); coding-DNA position 2141, A replaced by C.
Protein change: p.Lys714Thr; replaces lysine 714 with threonine.
Molecular consequence: missense variant.
Genome position (GRCh38, 1-based): chr5:80,768,891, A>C. VCF-style: chr5-80768891-A-C. GRCh37 (hg19) VCF-style: chr5-80064710-A-C.
Other names: c.2141A>C (NM_002439.3); short protein forms K714T.
Identifiers: ClinVar variation 1362693 (VCV001362693.9), dbSNP rs2112885162, ClinGen allele CA360279374.

ClinVar aggregate classification (germline): Uncertain significance. Review status: criteria provided, multiple submitters, no conflicts (2 of 4 stars). 2 submissions from 2 submitters: Uncertain significance (2). Last evaluated 2026-07-06.

Conditions:
Hereditary cancer-predisposing syndrome. Also called: Hereditary Cancer Syndrome; Neoplastic Syndromes, Hereditary; Hereditary neoplastic syndrome; Tumor predisposition. Identifiers: Orphanet 140162, MedGen C0027672, MeSH D009386, MONDO:0015356.

Submissions (2):

Ambry Genetics
Classification: Uncertain significance for Hereditary cancer-predisposing syndrome. Last evaluated: 2026-07-06. Review status: criteria provided, single submitter. Criteria: Ambry Variant Classification Scheme 2023. Collection method: clinical testing. Allele origin: germline.
Comment: The p.K714T variant (also known as c.2141A>C), located in coding exon 15 of the MSH3 gene, results from an A to C substitution at nucleotide position 2141. The lysine at codon 714 is replaced by threonine, an amino acid with similar properties. This amino acid position is conserved. In addition, this alteration is predicted to be tolerated by in silico analysis. Based on the available evidence, the clinical significance of this variant remains unclear.

Labcorp Genetics (formerly Invitae), Labcorp
Classification: Uncertain significance. Last evaluated: 2022-07-19. Review status: criteria provided, single submitter. Criteria: Invitae Variant Classification Sherloc (09022015). Collection method: clinical testing. Allele origin: germline.
Comment: This sequence change replaces lysine, which is basic and polar, with threonine, which is neutral and polar, at codon 714 of the MSH3 protein (p.Lys714Thr). This variant is not present in population databases (gnomAD no frequency). This variant has not been reported in the literature in individuals affected with MSH3-related conditions. ClinVar contains an entry for this variant (Variation ID: 1362693). Algorithms developed to predict the effect of missense changes on protein structure and function (SIFT, PolyPhen-2, Align-GVGD) all suggest that this variant is likely to be tolerated. Algorithms developed to predict the effect of sequence changes on RNA splicing suggest that this variant may disrupt the consensus splice site. In summary, the available evidence is currently insufficient to determine the role of this variant in disease. Therefore, it has been classified as a Variant of Uncertain Significance.